The following is an entry in ClinVar:

NM_000059.4(BRCA2):c.824A>C (p.Lys275Thr)

Gene: BRCA2 (BRCA2 DNA repair associated; plus strand). Cytogenetic location: 13q13.1.
Variant type: single nucleotide variant.
Coding change: c.824A>C on transcript NM_000059.4 (MANE Select); coding-DNA position 824, A replaced by C.
Protein change: p.Lys275Thr; replaces lysine 275 with threonine.
Molecular consequence: missense variant.
Genome position (GRCh38, 1-based): chr13:32,332,302, A>C. VCF-style: chr13-32332302-A-C. GRCh37 (hg19) VCF-style: chr13-32906439-A-C.
Other names: NP_000050.3:p.Lys275Thr; short protein forms K275T.
Identifiers: ClinVar variation 1678925 (VCV001678925.3), dbSNP rs2137465057, ClinGen allele CA387760435.

ClinVar aggregate classification (germline): Conflicting classifications of pathogenicity. Review status: criteria provided, conflicting classifications (1 of 4 stars). 2 submissions from 2 submitters: Uncertain significance (1); Likely benign (1). Last evaluated 2023-03-23.

Conditions:
Hereditary breast ovarian cancer syndrome. Also called: Hereditary breast and ovarian cancer syndrome; BRCA1- and BRCA2-Associated Hereditary Breast and Ovarian Cancer; Hereditary breast and ovarian cancer syndrome (HBOC); Hereditary breast and/or ovarian cancer syndrome; Breast and ovarian cancer; Hereditary breast and ovarian cancer. Identifiers: Orphanet 145, MedGen C0677776, MeSH D061325, MONDO:0003582. Disease mechanism: loss of function.
Hereditary cancer-predisposing syndrome. Also called: Hereditary neoplastic syndrome; Neoplastic Syndromes, Hereditary; Tumor predisposition; Hereditary Cancer Syndrome. Identifiers: Orphanet 140162, MedGen C0027672, MeSH D009386, MONDO:0015356.

Submissions (2):

University of Washington Department of Laboratory Medicine, University of Washington
Classification: Likely benign for Hereditary cancer-predisposing syndrome. Last evaluated: 2023-03-23. Review status: criteria provided, single submitter. Criteria: Dines et al. (Genet Med. 2020). Collection method: curation. Allele origin: germline.
Comment: Missense variant in a coldspot region where missense variants are very unlikely to be pathogenic (PMID:31911673).

BRCA2 exon 10 coldspot. Reclassification based on statistical prior probability.

National Health Laboratory Service, Universitas Academic Hospital and University of the Free State
Classification: Uncertain significance for Hereditary breast ovarian cancer syndrome. Last evaluated: 2022-04-19. Review status: criteria provided, single submitter. Criteria: ACMG Guidelines, 2015. Collection method: clinical testing. Allele origin: germline. Affected: yes. Observed: 1 variant allele.